The following is an entry in ClinVar:

ClinVar aggregate classification (germline): Uncertain significance (1 of 4 stars; one submission).

Conditions:
Pancreatic adenocarcinoma. Identifiers: MedGen C0281361, MONDO:0006047, HP:0006725.

gnomAD v4.1: 1 of 1,612,958 alleles (0.000062%); no homozygotes.

Submission:

Labcorp Genetics (formerly Invitae), Labcorp
Classification: Uncertain significance for Pancreatic adenocarcinoma. Last evaluated: 2024-02-17. Review status: criteria provided, single submitter. Criteria: Invitae Variant Classification Sherloc (09022015). Collection method: clinical testing. Allele origin: germline.
Comment: This sequence change replaces glutamine, which is neutral and polar, with arginine, which is basic and polar, at codon 246 of the PALLD protein (p.Gln246Arg). This variant is not present in population databases (gnomAD no frequency). This variant has not been reported in the literature in individuals affected with PALLD-related conditions. An algorithm developed to predict the effect of missense changes on protein structure and function (PolyPhen-2) suggests that this variant is likely to be tolerated. Algorithms developed to predict the effect of sequence changes on RNA splicing suggest that this variant may disrupt the consensus splice site. In summary, the available evidence is currently insufficient to determine the role of this variant in disease. Therefore, it has been classified as a Variant of Uncertain Significance.

NM_001166108.2(PALLD):c.2198A>G (p.Gln733Arg)

Genes: CBR4 (carbonyl reductase 4; minus strand), PALLD (palladin, cytoskeletal associated protein; plus strand). Cytogenetic location: 4q32.3.
Variant type: single nucleotide variant.
Coding change: c.2198A>G on transcript NM_001166108.2 (MANE Select); coding-DNA position 2198, A replaced by G.
Protein change: p.Gln733Arg; replaces glutamine 733 with arginine.
Molecular consequence: missense variant.
Genome position (GRCh38, 1-based): chr4:168,894,676, A>G. VCF-style: chr4-168894676-A-G. GRCh37 (hg19) VCF-style: chr4-169815827-A-G.
Other names: c.1052A>G, p.Gln351Arg (NM_001166109.2); c.737A>G, p.Gln246Arg (NM_001166110.2); c.77A>G, p.Gln26Arg (NM_001367567.1, NM_001367568.1, NM_001367569.1 and 1 more transcripts); c.2198A>G, p.Gln733Arg (NM_016081.4); short protein forms Q26R, Q351R, Q733R, Q246R.
Identifiers: ClinVar variation 3705935 (VCV003705935.2).
Genomic context (GRCh38, chr4:168,894,676, plus strand): 5'-TAGGTGCTGACAGTGCAACTGTCTTTAATATTCAGGAGCCAGAAGAGGAAACAGCTAATC[A>G]GGTACCATGTTGCTCTGGACTTCTTAGGGTAACATTTATTCTGTCCCCCTTTTCCATCTT-3'
Protein context (NP_001159580.1, residues 723-743): IQEPEEETAN[Gln733Arg]DIGSPHASVG